The following is an entry in ClinVar:

ClinVar aggregate classification (germline): Uncertain significance (1 of 4 stars; one submission).

Submission:

GeneDx
Classification: Uncertain significance. Last evaluated: 2026-03-26. Review status: criteria provided, single submitter. Criteria: GeneDx Variant Classification Process June 2021. Collection method: clinical testing. Allele origin: germline.
Comment: Not observed at significant frequency in large population cohorts (gnomAD); In silico analysis suggests that this missense variant does not alter protein structure/function; Has not been previously published as pathogenic or benign to our knowledge

NM_003153.5(STAT6):c.1907A>G (p.Lys636Arg)

Gene: STAT6 (signal transducer and activator of transcription 6; minus strand). Cytogenetic location: 12q13.3.
Variant type: single nucleotide variant.
Coding change: c.1907A>G on transcript NM_003153.5 (MANE Select); coding-DNA position 1907, A replaced by G.
Protein change: p.Lys636Arg; replaces lysine 636 with arginine.
Molecular consequence: missense variant. On other transcripts: non-coding transcript variant (1).
Genome position (GRCh38, 1-based): chr12:57,099,063, T>C on the plus strand (A>G on the coding strand, the complement: STAT6 is on the minus strand). VCF-style: chr12-57099063-T-C. GRCh37 (hg19) VCF-style: chr12-57492846-T-C.
Other names: c.1577A>G, p.Lys526Arg (NM_001178080.2, NM_001178081.2); c.1907A>G, p.Lys636Arg (NM_001178078.2, NM_001178079.2); short protein forms K526R, K636R.
Identifiers: ClinVar variation 5017664 (VCV005017664.1).